The following is an entry in ClinVar:

NM_001254.4(CDC6):c.787A>G (p.Met263Val)

Gene: CDC6 (cell division cycle 6; plus strand). Cytogenetic location: 17q21.2.
Variant type: single nucleotide variant.
Coding change: c.787A>G on transcript NM_001254.4 (MANE Select); coding-DNA position 787, A replaced by G.
Protein change: p.Met263Val; replaces methionine 263 with valine.
Molecular consequence: missense variant.
Genome position (GRCh38, 1-based): chr17:40,293,582, A>G. VCF-style: chr17-40293582-A-G. GRCh37 (hg19) VCF-style: chr17-38449834-A-G.
Other names: short protein forms M263V.
Identifiers: ClinVar variation 1939856 (VCV001939856.5), dbSNP rs370722747, ClinGen allele CA8541957.
Genomic context (GRCh38, chr17:40,293,582, plus strand): 5'-TTCCCAGCTATTGCTCAGGAGATTTGTCAGGAAGAGGTATCCAGGCCAGCTGGGAAGGAC[A>G]TGATGAGGAAATTGGAAAAACATATGACTGCAGAGAAGGGCCCCATGATGTAAGTATTGT-3'
Protein context (NP_001245.1, residues 253-273): EEVSRPAGKD[Met263Val]MRKLEKHMTA

ClinVar aggregate classification (germline): Uncertain significance (1 of 4 stars; one submission).

Allele frequency attached by ClinVar (database versions not stated): ESP Exome Variant Server 0.00015.
gnomAD v4.1: 6 of 1,613,996 alleles (0.00037%); highest among the groups gnomAD compares: Non-Finnish European, 0.00051%; no homozygotes.

Submission:

Labcorp Genetics (formerly Invitae), Labcorp
Classification: Uncertain significance. Last evaluated: 2025-10-19. Review status: criteria provided, single submitter. Criteria: Invitae Variant Classification Sherloc (09022015). Collection method: clinical testing. Allele origin: germline.
Comment: This sequence change replaces methionine, which is neutral and non-polar, with valine, which is neutral and non-polar, at codon 263 of the CDC6 protein (p.Met263Val). This variant is present in population databases (rs370722747, gnomAD 0.0009%). This variant has not been reported in the literature in individuals affected with CDC6-related conditions. ClinVar contains an entry for this variant (Variation ID: 1939856). An algorithm developed to predict the effect of missense changes on protein structure and function outputs the following: PolyPhen-2: "Benign". The valine amino acid residue is found in multiple mammalian species, which suggests that this missense change does not adversely affect protein function. In summary, the available evidence is currently insufficient to determine the role of this variant in disease. Therefore, it has been classified as a Variant of Uncertain Significance.